The following is an entry in ClinVar:

ClinVar aggregate classification (germline): Uncertain significance (1 of 4 stars; one submission).

Conditions:
Familial thoracic aortic aneurysm and aortic dissection (TAAD). Also called: Thoracic aortic aneurysms and dissections. Identifiers: Orphanet 91387, MedGen C4707243, MONDO:0019625.

gnomAD v4.1: 1 of 1,613,880 alleles (0.000062%); highest among the groups gnomAD compares: African/African-American, 0.0013%; no homozygotes.

Submission:

Ambry Genetics
Classification: Uncertain significance for Familial thoracic aortic aneurysm and aortic dissection. Last evaluated: 2025-11-10. Review status: criteria provided, single submitter. Criteria: Ambry Variant Classification Scheme 2023. Collection method: clinical testing. Allele origin: germline.
Comment: The p.Y685H variant (also known as c.2053T>C), located in coding exon 19 of the PLOD1 gene, results from a T to C substitution at nucleotide position 2053. The tyrosine at codon 685 is replaced by histidine, an amino acid with similar properties. This amino acid position is conserved. In addition, this alteration is predicted to be deleterious by in silico analysis. Based on the available evidence, the clinical significance of this variant remains unclear.

NM_000302.4(PLOD1):c.2053T>C (p.Tyr685His)

Gene: PLOD1 (procollagen-lysine,2-oxoglutarate 5-dioxygenase 1; plus strand). Cytogenetic location: 1p36.22.
Variant type: single nucleotide variant.
Coding change: c.2053T>C on transcript NM_000302.4 (MANE Select); coding-DNA position 2053, T replaced by C.
Protein change: p.Tyr685His; replaces tyrosine 685 with histidine.
Molecular consequence: missense variant.
Genome position (GRCh38, 1-based): chr1:11,974,677, T>C. VCF-style: chr1-11974677-T-C. GRCh37 (hg19) VCF-style: chr1-12034734-T-C.
Other names: c.2194T>C, p.Tyr732His (NM_001316320.2); short protein forms Y732H, Y685H.
Identifiers: ClinVar variation 4635511 (VCV004635511.1).
Genomic context (GRCh38, chr1:11,974,677, plus strand): 5'-GGTGGGGAAAGGCCACTGATGCTTTCTGTCTCCCAGGGCGGGGGCTGTCGGTTCCTGCGC[T>C]ACAACTGTTCCATCCGAGCCCCAAGGAAGGGCTGGACCCTCATGCACCCTGGACGACTCA-3'
Protein context (NP_000293.2, residues 675-695): YEGGGCRFLR[Tyr685His]NCSIRAPRKG